The following is an entry in ClinVar:

ClinVar aggregate classification (germline): Uncertain significance (1 of 4 stars; one submission).

gnomAD v4.1: 18 of 1,613,688 alleles (0.0011%); highest among the groups gnomAD compares: East Asian, 0.013%; no homozygotes.

Submission:

GeneDx
Classification: Uncertain significance. Last evaluated: 2025-06-10. Review status: criteria provided, single submitter. Criteria: GeneDx Variant Classification Process June 2021. Collection method: clinical testing. Allele origin: germline.
Comment: In silico analysis suggests that this missense variant does not alter protein structure/function; Has not been previously published as pathogenic or benign to our knowledge

NM_001039141.3(TRIOBP):c.65G>A (p.Arg22His)

Gene: TRIOBP (TRIO and F-actin binding protein; plus strand). Cytogenetic location: 22q13.1.
Variant type: single nucleotide variant.
Coding change: c.65G>A on transcript NM_001039141.3 (MANE Select); coding-DNA position 65, G replaced by A.
Protein change: p.Arg22His; replaces arginine 22 with histidine.
Molecular consequence: missense variant.
Genome position (GRCh38, 1-based): chr22:37,701,430, G>A. VCF-style: chr22-37701430-G-A. GRCh37 (hg19) VCF-style: chr22-38097437-G-A.
Other names: short protein forms R22H.
Identifiers: ClinVar variation 3364922 (VCV003364922.2).